The following is an entry in ClinVar:

NM_000090.4(COL3A1):c.334-4T>A

Gene: COL3A1 (collagen type III alpha 1 chain; plus strand). Cytogenetic location: 2q32.2.
Variant type: single nucleotide variant.
Coding change: c.334-4T>A on transcript NM_000090.4 (MANE Select); 4 bases into the intron before coding-DNA position 334, T replaced by A.
Molecular consequence: intron variant.
Genome position (GRCh38, 1-based): chr2:188,985,661, T>A. VCF-style: chr2-188985661-T-A. GRCh37 (hg19) VCF-style: chr2-189850387-T-A.
Identifiers: ClinVar variation 385649 (VCV000385649.1), dbSNP rs1057522288, ClinGen allele CA16603960.

ClinVar aggregate classification (germline): Likely benign (1 of 4 stars; one submission).

Submission:

GeneDx
Classification: Likely benign. Last evaluated: 2016-04-20. Review status: criteria provided, single submitter. Criteria: GeneDx Variant Classification (06012015). Collection method: clinical testing. Allele origin: germline. Affected: yes.
Comment: This variant is considered likely benign or benign based on one or more of the following criteria: it is a conservative change, it occurs at a poorly conserved position in the protein, it is predicted to be benign by multiple in silico algorithms, and/or has population frequency not consistent with disease.